The following is an entry in ClinVar:

ClinVar aggregate classification (germline): Uncertain significance (1 of 4 stars; one submission).

Submission:

GeneDx
Classification: Uncertain significance. Last evaluated: 2024-08-13. Review status: criteria provided, single submitter. Criteria: GeneDx Variant Classification Process June 2021. Collection method: clinical testing. Allele origin: germline. Affected: yes.
Comment: Not observed at significant frequency in large population cohorts (gnomAD); In silico analysis supports that this missense variant has a deleterious effect on protein structure/function; Has not been previously published as pathogenic or benign to our knowledge

NM_004320.6(ATP2A1):c.440C>T (p.Pro147Leu)

Gene: ATP2A1 (ATPase sarcoplasmic/endoplasmic reticulum Ca2+ transporting 1; plus strand). Cytogenetic location: 16p11.2.
Variant type: single nucleotide variant.
Coding change: c.440C>T on transcript NM_004320.6 (MANE Select); coding-DNA position 440, C replaced by T.
Protein change: p.Pro147Leu; replaces proline 147 with leucine.
Molecular consequence: missense variant.
Genome position (GRCh38, 1-based): chr16:28,882,566, C>T. VCF-style: chr16-28882566-C-T. GRCh37 (hg19) VCF-style: chr16-28893887-C-T.
Other names: c.65C>T, p.Pro22Leu (NM_001286075.2); c.440C>T, p.Pro147Leu (NM_173201.5); short protein forms P147L, P22L.
Identifiers: ClinVar variation 3731140 (VCV003731140.1).
Genomic context (GRCh38, chr16:28,882,566, plus strand): 5'-GGAAGGTCTACCGGGCTGACCGCAAGTCAGTGCAAAGGATCAAGGCTCGGGACATCGTCC[C>T]TGGGGACATCGTGGAGGTGGCTGGTGAGTGACAGGGACGGCTGGTCCAGGATGGGAGGCC-3'
Protein context (NP_004311.1, residues 137-157): VQRIKARDIV[Pro147Leu]GDIVEVAVGD